The following is an entry in ClinVar:

ClinVar aggregate classification (germline): Uncertain significance. Review status: criteria provided, multiple submitters, no conflicts (2 of 4 stars). 5 submissions from 5 submitters: Uncertain significance (5). Last evaluated 2025-08-17.

Conditions:
Hypertrophic cardiomyopathy 15. Identifiers: MedGen C2750459, MONDO:0013200, OMIM 613255.
Dilated cardiomyopathy 1W (CMD1W). Identifiers: Orphanet 154, MedGen C1969639, MONDO:0012667, OMIM 611407.
Cardiovascular phenotype. Identifiers: MedGen CN230736.

Allele frequency attached by ClinVar (database versions not stated): ExAC 0.00001; gnomAD 0.00001; gnomAD exomes 0.00001; TOPMed 0.00005.
gnomAD v4.1: 6 of 1,614,066 alleles (0.00037%); highest among the groups gnomAD compares: African/African-American, 0.0027%; no homozygotes.

Submissions (5):

Labcorp Genetics (formerly Invitae), Labcorp
Classification: Uncertain significance for Dilated cardiomyopathy 1W. Last evaluated: 2025-08-17. Review status: criteria provided, single submitter. Criteria: Invitae Variant Classification Sherloc (09022015). Collection method: clinical testing. Allele origin: germline.
Comment: This sequence change replaces glycine, which is neutral and non-polar, with cysteine, which is neutral and slightly polar, at codon 282 of the VCL protein (p.Gly282Cys). This variant is present in population databases (rs766091503, gnomAD 0.004%). This variant has not been reported in the literature in individuals affected with VCL-related conditions. ClinVar contains an entry for this variant (Variation ID: 1306605). An algorithm developed to predict the effect of missense changes on protein structure and function (PolyPhen-2) suggests that this variant is likely to be disruptive. In summary, the available evidence is currently insufficient to determine the role of this variant in disease. Therefore, it has been classified as a Variant of Uncertain Significance.

Molecular Diagnostic Laboratory for Inherited Cardiovascular Disease, Montreal Heart Institute
Classification: Uncertain significance for Cardiovascular phenotype. Last evaluated: 2025-04-09. Review status: criteria provided, single submitter. Criteria: ACMG Guidelines, 2015. Collection method: clinical testing. Allele origin: germline. Affected: yes.
Comment: PM2

Ambry Genetics
Classification: Uncertain significance for Cardiovascular phenotype. Last evaluated: 2024-03-10. Review status: criteria provided, single submitter. Criteria: Ambry Variant Classification Scheme 2023. Collection method: clinical testing. Allele origin: germline.
Comment: The p.G282C variant (also known as c.844G>T), located in coding exon 7 of the VCL gene, results from a G to T substitution at nucleotide position 844. The glycine at codon 282 is replaced by cysteine, an amino acid with highly dissimilar properties. This amino acid position is conserved. In addition, this alteration is predicted to be tolerated by in silico analysis. Since supporting evidence is limited at this time, the clinical significance of this alteration remains unclear.

Fulgent Genetics
Classification: Uncertain significance for Dilated cardiomyopathy 1W; Hypertrophic cardiomyopathy 15. Last evaluated: 2021-09-06. Review status: criteria provided, single submitter. Criteria: ACMG Guidelines, 2015. Collection method: clinical testing. Allele origin: unknown.

GeneDx
Classification: Uncertain significance. Last evaluated: 2019-06-20. Review status: criteria provided, single submitter. Criteria: GeneDx Variant Classification Process June 2021. Collection method: clinical testing. Allele origin: germline. Affected: yes.
Comment: Has not been previously published as pathogenic or benign to our knowledge; Not observed at a significant frequency in large population cohorts (Lek et al., 2016); In silico analysis, which includes protein predictors and evolutionary conservation, supports that this variant does not alter protein structure/function

NM_014000.3(VCL):c.844G>T (p.Gly282Cys)

Gene: VCL (vinculin; plus strand). Cytogenetic location: 10q22.2.
Variant type: single nucleotide variant.
Coding change: c.844G>T on transcript NM_014000.3 (MANE Select); coding-DNA position 844, G replaced by T.
Protein change: p.Gly282Cys; replaces glycine 282 with cysteine.
Molecular consequence: missense variant.
Genome position (GRCh38, 1-based): chr10:74,082,514, G>T. VCF-style: chr10-74082514-G-T. GRCh37 (hg19) VCF-style: chr10-75842272-G-T.
Other names: c.844G>T, p.Gly282Cys (NM_003373.4); short protein forms G282C.
Identifiers: ClinVar variation 1306605 (VCV001306605.11), dbSNP rs766091503, ClinGen allele CA5562873.
Genomic context (GRCh38, chr10:74,082,514, plus strand): 5'-GACACTGAAGCCATGAAGAGAGCATTGGCCTCCATAGACTCCAAACTGAACCAGGCCAAA[G>T]GTTGGCTCCGTGACCCTAGTGCCTCCCCAGGTAACCCTCTAGTTCTGCTTTTCTGATCAA-3'
Protein context (NP_054706.1, residues 272-292): SIDSKLNQAK[Gly282Cys]WLRDPSASPG